The following is an entry in ClinVar:

ClinVar aggregate classification (germline): Uncertain significance (1 of 4 stars; one submission).

Conditions:
Tatton-Brown-Rahman overgrowth syndrome. Also called: Tatton-Brown-Rahman syndrome; Tall stature-intellectual disability-facial dysmorphism syndrome. Identifiers: Orphanet 404443, MedGen C4014545, MONDO:0014382, OMIM 615879.

gnomAD v4.1: 4 of 1,613,338 alleles (0.00025%); highest among the groups gnomAD compares: Non-Finnish European, 0.00034%; no homozygotes.

Submission:

Center for Precision Genome Editing and Genetic Technologies for Biomedicine, Pirogov Russian National Research Medical University
Classification: Uncertain significance for Tatton-Brown-Rahman overgrowth syndrome. Review status: criteria provided, single submitter. Criteria: ACMG Guidelines, 2015. Collection method: clinical testing. Allele origin: unknown. Inheritance: Autosomal dominant inheritance. Affected: yes. Observed: 1 heterozygote.
Comment: DNMT3A(NM_022552.5):c.388A>G (p.Arg130Gly). This missense variant results in an amino acid substitution. It has been detected in control samples with an allele frequency of 0.000002479 and has not been observed in patients with Tatton-Brown-Rahman syndrome, fulfilling the PM2 criterion. Missense variants are a well-established disease mechanism for this condition, supporting the application of the PP2 criterion. Based on the ACMG/AMP criteria applied (PM2, PP2), this variant is classified as a Variant of Uncertain Significance (VUS) for Tatton-Brown-Rahman syndrome.

NM_022552.5(DNMT3A):c.388A>G (p.Arg130Gly)

Gene: DNMT3A (DNA methyltransferase 3 alpha; minus strand). Cytogenetic location: 2p23.3.
Variant type: single nucleotide variant.
Coding change: c.388A>G on transcript NM_022552.5 (MANE Select); coding-DNA position 388, A replaced by G.
Protein change: p.Arg130Gly; replaces arginine 130 with glycine.
Molecular consequence: missense variant. On other transcripts: non-coding transcript variant (1).
Genome position (GRCh38, 1-based): chr2:25,282,501, T>C on the plus strand (A>G on the coding strand, the complement: DNMT3A is on the minus strand). VCF-style: chr2-25282501-T-C. GRCh37 (hg19) VCF-style: chr2-25505370-T-C.
Other names: c.388A>G, p.Arg130Gly (NM_175629.2, NM_175630.1, NM_001320892.2); short protein forms R130G.
Identifiers: ClinVar variation 3769630 (VCV003769630.2), dbSNP rs1165199901.